The following continues an entry in ClinVar:

NM_000059.4(BRCA2):c.3160_3163del (p.Asp1054fs)

Gene: BRCA2. ClinVar aggregate classification (germline): Pathogenic. Pathogenic (1).

Submissions 10 to 15 of 15:

Department of Pathology and Laboratory Medicine, Sinai Health System
Classification: Pathogenic for BRCA2-related cancer predisposition. Last evaluated: 2021-04-07. Review status: criteria provided, single submitter. Criteria: ACMG Guidelines, 2015. Collection method: clinical testing. Allele origin: germline. Affected: no. Not counted in ClinVar's aggregate classification.

Consortium of Investigators of Modifiers of BRCA1/2 (CIMBA), c/o University of Cambridge
Classification: Pathogenic for Breast-ovarian cancer, familial, susceptibility to, 2. Last evaluated: 2015-10-02. Review status: criteria provided, single submitter. Criteria: CIMBA Mutation Classification guidelines May 2016. Collection method: clinical testing. Allele origin: germline. Not counted in ClinVar's aggregate classification.

Juno Genomics, Hangzhou Juno Genomics, Inc
Classification: Pathogenic for Familial cancer of breast; Breast-ovarian cancer, familial, susceptibility to, 2; Glioma susceptibility 3; Medulloblastoma; Pancreatic cancer, susceptibility to, 2; Familial prostate cancer; Fanconi anemia complementation group D1; Wilms tumor 1. Review status: criteria provided, single submitter. Criteria: ACMG Guidelines, 2015. Collection method: clinical testing. Allele origin: germline. Not counted in ClinVar's aggregate classification.
Comment: Absent from controls (or at extremely low frequency if recessive) in Genome Aggregation Database.;Null variant in a gene where loss of function (LOF) is a known mechanism of disease.;The prevalence of the variant in affected individuals is significantly increased compared to the prevalence in controls.

Research Molecular Genetics Laboratory, Women's College Hospital, University of Toronto
Classification: Pathogenic for Hereditary breast ovarian cancer syndrome. Last evaluated: 2014-01-31. Review status: no assertion criteria provided. Collection method: research. Allele origin: germline. Affected: yes. Study: The Canadian Open Genetics Repository (COGR). Not counted in ClinVar's aggregate classification.

Sharing Clinical Reports Project (SCRP)
Classification: Pathogenic for Breast-ovarian cancer, familial 2. Last evaluated: 2010-02-11. Review status: no assertion criteria provided. Collection method: clinical testing. Allele origin: germline. Not counted in ClinVar's aggregate classification.

Breast Cancer Information Core (BIC) (BRCA2)
Classification: Pathogenic for Breast-ovarian cancer, familial 2. Last evaluated: 2004-02-20. Review status: no assertion criteria provided. Collection method: clinical testing. Allele origin: germline. Affected: yes. Observed: 3 variant alleles. Not counted in ClinVar's aggregate classification.

Literature cited by the submitters: PubMed 20104584 (cited by Labcorp Genetics (formerly Invitae), Labcorp); PubMed 10923033 (cited by Labcorp Genetics (formerly Invitae), Labcorp); PubMed 21520333 (cited by Labcorp Genetics (formerly Invitae), Labcorp); PubMed 8988179 (cited by All of Us Research Program, National Institutes of Health); PubMed 11897832 (cited by All of Us Research Program, National Institutes of Health); PubMed 28281021 (cited by 3 submitters); PubMed 29446198 (cited by 3 submitters); PubMed 31853058 (cited by All of Us Research Program, National Institutes of Health); PubMed 31825140 (cited by Quest Diagnostics Nichols Institute San Juan Capistrano); PubMed 21702907 (cited by 3 submitters); PubMed 28152038 (cited by Quest Diagnostics Nichols Institute San Juan Capistrano).